The following is an entry in ClinVar:

ClinVar aggregate classification (germline): Uncertain significance. Review status: criteria provided, multiple submitters, no conflicts (2 of 4 stars). 2 submissions from 2 submitters: Uncertain significance (2). Last evaluated 2024-12-19.

Allele frequency attached by ClinVar (database versions not stated): TOPMed 0.00005; ESP Exome Variant Server 0.00008; ExAC 0.00011; gnomAD exomes 0.00012; gnomAD 0.00019.
gnomAD v4.1: 201 of 1,613,724 alleles (0.012%); highest among the groups gnomAD compares: Non-Finnish European, 0.013%; 1 homozygote.

Submissions (2):

Labcorp Genetics (formerly Invitae), Labcorp
Classification: Uncertain significance. Last evaluated: 2024-12-19. Review status: criteria provided, single submitter. Criteria: Invitae Variant Classification Sherloc (09022015). Collection method: clinical testing. Allele origin: germline.
Comment: This sequence change replaces serine, which is neutral and polar, with leucine, which is neutral and non-polar, at codon 356 of the TMEM132E protein (p.Ser356Leu). This variant is present in population databases (rs201413456, gnomAD 0.06%). This variant has not been reported in the literature in individuals affected with TMEM132E-related conditions. ClinVar contains an entry for this variant (Variation ID: 2085280). Experimental studies and prediction algorithms are not available or were not evaluated, and the functional significance of this variant is currently unknown. In summary, the available evidence is currently insufficient to determine the role of this variant in disease. Therefore, it has been classified as a Variant of Uncertain Significance.

Ambry Genetics
Classification: Uncertain significance. Last evaluated: 2022-08-16. Review status: criteria provided, single submitter. Criteria: Ambry Variant Classification Scheme 2023. Collection method: clinical testing. Allele origin: germline.

NM_001304438.2(TMEM132E):c.1067C>T (p.Ser356Leu)

Gene: TMEM132E (transmembrane protein 132E; plus strand). Cytogenetic location: 17q12.
Variant type: single nucleotide variant.
Coding change: c.1067C>T on transcript NM_001304438.2 (MANE Select); coding-DNA position 1067, C replaced by T.
Protein change: p.Ser356Leu; replaces serine 356 with leucine.
Molecular consequence: missense variant.
Genome position (GRCh38, 1-based): chr17:34,628,631, C>T. VCF-style: chr17-34628631-C-T. GRCh37 (hg19) VCF-style: chr17-32955650-C-T.
Other names: NM_207313.1:c.797C>T; short protein forms S356L.
Identifiers: ClinVar variation 2085280 (VCV002085280.5), dbSNP rs201413456, ClinGen allele CA8496555.
Genomic context (GRCh38, chr17:34,628,631, plus strand): 5'-CCAAGAAGGGTGTGACCCTTTTAGGTACCAAGTCACGGAGTGGCCAGTGGCATGTGACCT[C>T]GGAGCTGCTGACTGGGGCAAAGCACTCAACAGCCACCGTGGATGTGGCCTGGGCTCAGAG-3'
Protein context (NP_001291367.1, residues 346-366): KSRSGQWHVT[Ser356Leu]ELLTGAKHST